The following is an entry in ClinVar:

ClinVar aggregate classification (germline): Likely benign (1 of 4 stars; one submission).

Conditions:
Colorectal cancer, susceptibility to, 12 (CRCS12). Also called: COLORECTAL CANCER, SUSCEPTIBILITY TO, ON CHROMOSOME 12q24. Identifiers: Orphanet 220460, MedGen C3554460, MONDO:0014038, OMIM 615083.

Submission:

Myriad Genetics, Inc.
Classification: Likely benign for Colorectal cancer, susceptibility to, 12. Last evaluated: 2025-02-10. Review status: criteria provided, single submitter. Criteria: Myriad Autosomal Dominant, Autosomal Recessive and X-Linked Classification Criteria (2023). Collection method: clinical testing. Allele origin: unknown.
Comment: This variant is considered likely benign. This variant is intronic and is not expected to impact mRNA splicing.

NM_006231.4(POLE):c.1106+7C>T

Gene: POLE (DNA polymerase epsilon, catalytic subunit; minus strand). Cytogenetic location: 12q24.33.
Variant type: single nucleotide variant.
Coding change: c.1106+7C>T on transcript NM_006231.4 (MANE Select); 7 bases into the intron after coding-DNA position 1106, C replaced by T.
Molecular consequence: intron variant.
Genome position (GRCh38, 1-based): chr12:132,675,728, G>A on the plus strand (C>T on the coding strand, the complement: POLE is on the minus strand). VCF-style: chr12-132675728-G-A. GRCh37 (hg19) VCF-style: chr12-133252314-G-A.
Identifiers: ClinVar variation 3904298 (VCV003904298.1).